The following is an entry in ClinVar:

NM_005751.5(AKAP9):c.10840A>T (p.Met3614Leu)

Gene: AKAP9 (A-kinase anchoring protein 9; plus strand). Cytogenetic location: 7q21.2.
Variant type: single nucleotide variant.
Coding change: c.10840A>T on transcript NM_005751.5 (MANE Select); coding-DNA position 10840, A replaced by T.
Protein change: p.Met3614Leu; replaces methionine 3614 with leucine.
Molecular consequence: missense variant.
Genome position (GRCh38, 1-based): chr7:92,099,813, A>T. VCF-style: chr7-92099813-A-T. GRCh37 (hg19) VCF-style: chr7-91729127-A-T.
Other names: c.5485A>T, p.Met1829Leu (NM_001379277.1); c.10816A>T, p.Met3606Leu (NM_147185.3); short protein forms M1829L, M3614L, M3606L.
Identifiers: ClinVar variation 3849487 (VCV003849487.1).
Genomic context (GRCh38, chr7:92,099,813, plus strand): 5'-GAGCTGACAGGGCATATCAGTCAACTGACTGAAGAGAAGAATGACTTAAGGAACATGGTT[A>T]TGAAGCTGGAAGAGCAGATCAGGTGGTATCGACAGACAGGAGCTGGTAGAGATAATGTAT-3'
Protein context (NP_005742.4, residues 3604-3624): EEKNDLRNMV[Met3614Leu]KLEEQIRWYR

ClinVar aggregate classification (germline): Uncertain significance (1 of 4 stars; one submission).

Conditions:
Cardiovascular phenotype. Identifiers: MedGen CN230736.

gnomAD v4.1: 1 of 1,614,136 alleles (0.000062%); no homozygotes.

Submission:

Ambry Genetics
Classification: Uncertain significance for Cardiovascular phenotype. Last evaluated: 2025-01-27. Review status: criteria provided, single submitter. Criteria: Ambry Variant Classification Scheme 2023. Collection method: clinical testing. Allele origin: germline.
Comment: The p.M3614L variant (also known as c.10840A>T), located in coding exon 44 of the AKAP9 gene, results from an A to T substitution at nucleotide position 10840. The methionine at codon 3614 is replaced by leucine, an amino acid with highly similar properties. This amino acid position is conserved. In addition, this alteration is predicted to be tolerated by in silico analysis. Based on the available evidence, the clinical significance of this variant remains unclear.